The following is an entry in ClinVar:

ClinVar aggregate classification (germline): Uncertain significance. Review status: criteria provided, multiple submitters, no conflicts (2 of 4 stars). 2 submissions from 2 submitters: Uncertain significance (2). Last evaluated 2026-07-06.

Conditions:
Hereditary cancer-predisposing syndrome. Also called: Hereditary Cancer Syndrome; Neoplastic Syndromes, Hereditary; Hereditary neoplastic syndrome; Tumor predisposition. Identifiers: Orphanet 140162, MedGen C0027672, MeSH D009386, MONDO:0015356.
Hereditary pheochromocytoma and paraganglioma. Also called: Hereditary pheochromocytoma-paraganglioma; Hereditary Paraganglioma-Pheochromocytoma Syndromes; Hereditary paragangliomas and pheochromocytomas. Identifiers: Orphanet 29072, MedGen C4274332, MONDO:0017366.

Submissions (2):

Ambry Genetics
Classification: Uncertain significance for Hereditary cancer-predisposing syndrome. Last evaluated: 2026-07-06. Review status: criteria provided, single submitter. Criteria: Ambry Variant Classification Scheme 2023. Collection method: clinical testing. Allele origin: germline.
Comment: The p.K104R variant (also known as c.311A>G), located in coding exon 5 of the MAX gene, results from an A to G substitution at nucleotide position 311. The lysine at codon 104 is replaced by arginine, an amino acid with highly similar properties. This amino acid position is conserved. In addition, this alteration is predicted to be deleterious by in silico analysis. Based on the available evidence, the clinical significance of this variant remains unclear.

Labcorp Genetics (formerly Invitae), Labcorp
Classification: Uncertain significance for Hereditary pheochromocytoma and paraganglioma. Last evaluated: 2021-10-13. Review status: criteria provided, single submitter. Criteria: Invitae Variant Classification Sherloc (09022015). Collection method: clinical testing. Allele origin: germline.
Comment: This variant is not present in population databases (ExAC no frequency). This sequence change replaces lysine with arginine at codon 104 of the MAX protein (p.Lys104Arg). The lysine residue is highly conserved and there is a small physicochemical difference between lysine and arginine. In summary, the available evidence is currently insufficient to determine the role of this variant in disease. Therefore, it has been classified as a Variant of Uncertain Significance. Algorithms developed to predict the effect of missense changes on protein structure and function (SIFT, PolyPhen-2, Align-GVGD) all suggest that this variant is likely to be tolerated. This variant has not been reported in the literature in individuals affected with MAX-related conditions.

NM_002382.5(MAX):c.311A>G (p.Lys104Arg)

Gene: MAX (MYC associated transcriptional regulator X; minus strand). Cytogenetic location: 14q23.3.
Variant type: single nucleotide variant.
Coding change: c.311A>G on transcript NM_002382.5 (MANE Select); coding-DNA position 311, A replaced by G.
Protein change: p.Lys104Arg; replaces lysine 104 with arginine.
Molecular consequence: missense variant. On other transcripts: 3 prime UTR variant (1), intron variant (2).
Genome position (GRCh38, 1-based): chr14:65,076,648, T>C on the plus strand (A>G on the coding strand, the complement: MAX is on the minus strand). VCF-style: chr14-65076648-T-C. GRCh37 (hg19) VCF-style: chr14-65543366-T-C.
Other names: c.122A>G, p.Lys41Arg (NM_001320415.2, NM_001407105.1, NM_001407106.1 and 1 more transcripts); c.311A>G, p.Lys104Arg (NM_001407094.1); c.284A>G, p.Lys95Arg (NM_001407095.1, NM_145112.3); c.*84A>G (NM_001407096.1, NM_001407099.1, NM_001407102.1 and 2 more transcripts); c.*100A>G (NM_001407097.1, NM_001407100.1, NM_001407101.1 and 4 more transcripts); c.203A>G, p.Lys68Arg (NM_001407098.1); c.110A>G, p.Lys37Arg (NM_001407111.1, NM_001407112.1); c.144+17060A>G (NM_001271069.2); and 1 more; short protein forms K95R, K41R, K104R, K37R, K68R.
Identifiers: ClinVar variation 1386770 (VCV001386770.8), dbSNP rs2139741946, ClinGen allele CA390031976.